The following is an entry in ClinVar:

NM_001291415.2(KDM6A):c.2752A>C (p.Met918Leu)

Gene: KDM6A (lysine demethylase 6A; plus strand). Cytogenetic location: Xp11.3.
Variant type: single nucleotide variant.
Coding change: c.2752A>C on transcript NM_001291415.2 (MANE Select); coding-DNA position 2752, A replaced by C.
Protein change: p.Met918Leu; replaces methionine 918 with leucine.
Molecular consequence: missense variant. On other transcripts: non-coding transcript variant (1).
Genome position (GRCh38, 1-based): chrX:45,070,251, A>C. VCF-style: chrX-45070251-A-C. GRCh37 (hg19) VCF-style: chrX-44929496-A-C.
Other names: c.1708A>C, p.Met570Leu (NM_001291421.2); c.2494A>C, p.Met832Leu (NM_001410742.1, NM_001419814.1); c.2752A>C, p.Met918Leu (NM_001419809.1); c.2650A>C, p.Met884Leu (NM_001419810.1, NM_001419813.1); c.2617A>C, p.Met873Leu (NM_001419811.1, NM_001291416.2); c.2596A>C, p.Met866Leu (NM_001419812.1, NM_021140.4); c.2359A>C, p.Met787Leu (NM_001419815.1, NM_001291418.2); c.2461A>C, p.Met821Leu (NM_001291417.2); short protein forms M570L, M787L, M832L, M866L, M884L, M918L, M821L, M873L.
Identifiers: ClinVar variation 2695620 (VCV002695620.3), dbSNP rs1357849621, ClinGen allele CA412795763.

ClinVar aggregate classification (germline): Uncertain significance (1 of 4 stars; one submission).

Conditions:
Kabuki syndrome 2 (KABUK2). Also called: KDM6A-Related Kabuki Syndrome. Identifiers: Orphanet 2322, MedGen C3275495, MONDO:0010465, OMIM 300867.

Allele frequency attached by ClinVar (database versions not stated): gnomAD exomes below 0.00001; TOPMed below 0.00001; gnomAD 0.00001.

Submission:

Labcorp Genetics (formerly Invitae), Labcorp
Classification: Uncertain significance for Kabuki syndrome 2. Last evaluated: 2023-11-19. Review status: criteria provided, single submitter. Criteria: Invitae Variant Classification Sherloc (09022015). Collection method: clinical testing. Allele origin: germline.
Comment: This sequence change replaces methionine, which is neutral and non-polar, with leucine, which is neutral and non-polar, at codon 866 of the KDM6A protein (p.Met866Leu). This variant is present in population databases (no rsID available, gnomAD 0.008%). This variant has not been reported in the literature in individuals affected with KDM6A-related conditions. Advanced modeling of protein sequence and biophysical properties (such as structural, functional, and spatial information, amino acid conservation, physicochemical variation, residue mobility, and thermodynamic stability) performed at Invitae indicates that this missense variant is not expected to disrupt KDM6A protein function with a negative predictive value of 80%. In summary, the available evidence is currently insufficient to determine the role of this variant in disease. Therefore, it has been classified as a Variant of Uncertain Significance.